The following is an entry in ClinVar:

NM_000091.5(COL4A3):c.889-53_987+36del

Genes: MFF-DT (MFF divergent transcript; minus strand), COL4A3 (collagen type IV alpha 3 chain; plus strand). Cytogenetic location: 2q36.3.
Variant type: Deletion.
Coding change: c.889-53_987+36del on transcript NM_000091.5 (MANE Select); 53 bases into the intron before coding-DNA position 889 through 36 bases into the intron after coding-DNA position 987, 460 bases deleted.
Molecular consequence: splice acceptor variant, splice donor variant.
Genome position (GRCh38, 1-based): chr2:227,255,973-227,256,432, 460 bases deleted. GRCh37 (hg19): chr2:228,120,689-228,121,148.
Identifiers: ClinVar variation 4813509 (VCV004813509.1).

ClinVar aggregate classification (germline): Uncertain significance (1 of 4 stars; one submission).

Conditions:
Autosomal dominant Alport syndrome (ATS3A). Also called: ALPORT SYNDROME 3A, AUTOSOMAL DOMINANT; Alport syndrome dominant type; Renal failure and sensorineural hearing loss. Identifiers: Orphanet 63, Orphanet 88918, MedGen C5882663, MONDO:0007086, OMIM 104200.

Submission:

Mendelics
Classification: Uncertain significance for Autosomal dominant Alport syndrome. Last evaluated: 2026-03-05. Review status: criteria provided, single submitter. Criteria: ACMG Guidelines, 2015. Collection method: clinical testing. Allele origin: unknown.
Comment: The available evidence is insufficient to conclusively determine the role of this variant. Therefore, it is classified as a Variant of Uncertain Significance.